The following is an entry in ClinVar:

ClinVar aggregate classification (germline): Pathogenic (1 of 4 stars; one submission).

Conditions:
Emery-Dreifuss muscular dystrophy 4, autosomal dominant (EDMD4). Also called: EMERY-DREIFUSS MUSCULAR DYSTROPHY 4 WITH VARIABLE FEATURES. Identifiers: Orphanet 261, MedGen C2751807, MONDO:0013071, OMIM 612998.
Autosomal recessive ataxia, Beauce type. Also called: Spinocerebellar ataxia, autosomal recessive 8; ATAXIA, RECESSIVE, OF BEAUCE; SYNE1 Deficiency; SYNE1-Related Autosomal Recessive Cerebellar Ataxia. Identifiers: Orphanet 88644, MedGen C1853116, MONDO:0012549, OMIM 610743.

Submission:

Labcorp Genetics (formerly Invitae), Labcorp
Classification: Pathogenic for Emery-Dreifuss muscular dystrophy 4, autosomal dominant; Autosomal recessive ataxia, Beauce type. Last evaluated: 2022-06-05. Review status: criteria provided, single submitter. Criteria: Invitae Variant Classification Sherloc (09022015). Collection method: clinical testing. Allele origin: germline.
Comment: For these reasons, this variant has been classified as Pathogenic. This variant has not been reported in the literature in individuals affected with SYNE1-related conditions. This variant is present in population databases (no rsID available, gnomAD 0.003%). This sequence change creates a premature translational stop signal (p.Asp5157Serfs*20) in the SYNE1 gene. It is expected to result in an absent or disrupted protein product. Loss-of-function variants in SYNE1 are known to be pathogenic (PMID: 19542096, 24319099, 27086870).

Literature cited by the submitters: PubMed 19542096; PubMed 24319099; PubMed 27086870.

NM_182961.4(SYNE1):c.15681_15684del (p.Asp5228fs)

Gene: SYNE1 (spectrin repeat containing nuclear envelope protein 1; minus strand). Cytogenetic location: 6q25.2.
Variant type: Microsatellite.
Coding change: c.15681_15684del on transcript NM_182961.4 (MANE Select); coding-DNA positions 15681 to 15684, 4 bases deleted (TGAT; older notation c.15681_15684delTGAT).
Protein change: p.Asp5228fs; shifts the reading frame from aspartic acid 5228.
Molecular consequence: frameshift variant.
Genome position (GRCh38, 1-based): chr6:152,323,711-152,323,714, ATCA deleted on the plus strand (TGAT on the coding strand, the reverse complement: SYNE1 is on the minus strand); deleting any 4 consecutive bases within chr6:152,323,711-152,323,718 gives the same sequence; the c. name uses the placement nearest the transcript's 3' end. VCF-style (leftmost placement, unchanged base first): chr6-152323710-GATCA-G. GRCh37 (hg19) VCF-style: chr6-152644845-GATCA-G.
Other names: c.15468_15471del, p.Asp5157fs (NM_033071.5); short protein forms D5157fs, D5228fs.
Identifiers: ClinVar variation 1453799 (VCV001453799.6), dbSNP rs1291249200, ClinGen allele CA571437940.